The following is an entry in ClinVar:

ClinVar aggregate classification (germline): Uncertain significance. Review status: criteria provided, multiple submitters, no conflicts (2 of 4 stars). 2 submissions from 2 submitters: Uncertain significance (2). Last evaluated 2024-07-22.

Conditions:
Inborn genetic diseases. Identifiers: MedGen C0950123, MeSH D030342.

Allele frequency attached by ClinVar (database versions not stated): TOPMed below 0.00001; gnomAD 0.00001; gnomAD exomes 0.00001; ExAC 0.00005.
gnomAD v4.1: 6 of 1,613,968 alleles (0.00037%); highest among the groups gnomAD compares: East Asian, 0.013%; no homozygotes.

Submissions (2):

Labcorp Genetics (formerly Invitae), Labcorp
Classification: Uncertain significance. Last evaluated: 2024-07-22. Review status: criteria provided, single submitter. Criteria: Invitae Variant Classification Sherloc (09022015). Collection method: clinical testing. Allele origin: germline.
Comment: This sequence change replaces valine, which is neutral and non-polar, with alanine, which is neutral and non-polar, at codon 527 of the DSG1 protein (p.Val527Ala). This variant is present in population databases (rs760604156, gnomAD 0.04%). This variant has not been reported in the literature in individuals affected with DSG1-related conditions. Advanced modeling of protein sequence and biophysical properties (such as structural, functional, and spatial information, amino acid conservation, physicochemical variation, residue mobility, and thermodynamic stability) performed at Invitae indicates that this missense variant is not expected to disrupt DSG1 protein function with a negative predictive value of 80%. In summary, the available evidence is currently insufficient to determine the role of this variant in disease. Therefore, it has been classified as a Variant of Uncertain Significance.

Ambry Genetics
Classification: Uncertain significance for Inborn genetic diseases. Last evaluated: 2024-03-07. Review status: criteria provided, single submitter. Criteria: Ambry Variant Classification Scheme 2023. Collection method: clinical testing. Allele origin: germline.

NM_001942.4(DSG1):c.1580T>C (p.Val527Ala)

Gene: DSG1 (desmoglein 1; plus strand). Cytogenetic location: 18q12.1.
Variant type: single nucleotide variant.
Coding change: c.1580T>C on transcript NM_001942.4 (MANE Select); coding-DNA position 1580, T replaced by C.
Protein change: p.Val527Ala; replaces valine 527 with alanine.
Molecular consequence: missense variant.
Genome position (GRCh38, 1-based): chr18:31,339,918, T>C. VCF-style: chr18-31339918-T-C. GRCh37 (hg19) VCF-style: chr18-28919881-T-C.
Other names: c.1580T>C (NM_001942.2); short protein forms V527A.
Identifiers: ClinVar variation 2874089 (VCV002874089.4), dbSNP rs760604156, ClinGen allele CA8926113.
Genomic context (GRCh38, chr18:31,339,918, plus strand): 5'-AAGAAAGTACTTCTTCCACTAACTATGATACCAGCACAACTTCTACTGACTCTAGCCAAG[T>C]ATATTCTTCTGAACCCGGAAACGGAGCCAAAGATTTGTTATCAGACAATGTACATTTTGG-3'
Protein context (NP_001933.2, residues 517-537): TSTTSTDSSQ[Val527Ala]YSSEPGNGAK